The following is an entry in ClinVar:

ClinVar aggregate classification (germline): Pathogenic. Review status: criteria provided, single submitter (1 of 4 stars). 2 submissions from 2 submitters: Pathogenic (1). 1 of the submissions does not count toward it. Last evaluated 2024-02-23.

Conditions:
Roberts-SC phocomelia syndrome (RBS). Also called: Hypomelia hypotrichosis facial hemangioma syndrome; LONG BONE DEFICIENCIES ASSOCIATED WITH CLEFT LIP-PALATE; Pseudothalidomide syndrome; Appelt-Gerken-Lenz syndrome; ESCO2 Spectrum Disorder. Identifiers: Orphanet 3103, MedGen C0392475, MONDO:0100253, OMIM 268300.

Submissions (2):

Labcorp Genetics (formerly Invitae), Labcorp
Classification: Pathogenic. Last evaluated: 2024-02-23. Review status: criteria provided, single submitter. Criteria: Invitae Variant Classification Sherloc (09022015). Collection method: clinical testing. Allele origin: germline.
Comment: This sequence change creates a premature translational stop signal (p.Pro140Thrfs*8) in the ESCO2 gene. It is expected to result in an absent or disrupted protein product. Loss-of-function variants in ESCO2 are known to be pathogenic (PMID: 15821733, 16380922). This variant is not present in population databases (gnomAD no frequency). This premature translational stop signal has been observed in individual(s) with Roberts syndrome (PMID: 15821733). This variant is also known as c.411_412insA (p.K138fsX10). ClinVar contains an entry for this variant (Variation ID: 21245). For these reasons, this variant has been classified as Pathogenic.

GeneReviews
No classification provided. Condition: Roberts-SC phocomelia syndrome. Review status: no classification provided. Collection method: literature only. Allele origin: unknown. Not counted in ClinVar's aggregate classification.

Literature cited by the submitters: PubMed 15821733 (cited by Labcorp Genetics (formerly Invitae), Labcorp and GeneReviews); PubMed 16380922 (cited by Labcorp Genetics (formerly Invitae), Labcorp); PubMed 20301332 (cited by GeneReviews); NCBI Bookshelf NBK1153 (cited by GeneReviews).

NM_001017420.3(ESCO2):c.417dup (p.Pro140fs)

Gene: ESCO2 (establishment of sister chromatid cohesion N-acetyltransferase 2; plus strand). Cytogenetic location: 8p21.1.
Variant type: Duplication.
Coding change: c.417dup on transcript NM_001017420.3 (MANE Select); coding-DNA position 417, one base duplicated (A; older notation c.417dupA).
Protein change: p.Pro140fs; shifts the reading frame from proline 140.
Molecular consequence: frameshift variant.
Genome position (GRCh38, 1-based): chr8:27,776,725, A duplicated; the last of 6 consecutive A bases (chr8:27,776,720-27,776,725); duplicating any one gives the same sequence. VCF-style (leftmost placement, unchanged base first): chr8-27776719-C-CA. GRCh37 (hg19) VCF-style: chr8-27634236-C-CA.
Other names: short protein forms P140fs.
Identifiers: ClinVar variation 21245 (VCV000021245.11), dbSNP rs80359848, ClinGen allele CA341791.